The following is an entry in ClinVar:

NM_004370.6(COL12A1):c.6790C>T (p.Pro2264Ser)

Gene: COL12A1 (collagen type XII alpha 1 chain; minus strand). Cytogenetic location: 6q13.
Variant type: single nucleotide variant.
Coding change: c.6790C>T on transcript NM_004370.6 (MANE Select); coding-DNA position 6790, C replaced by T.
Protein change: p.Pro2264Ser; replaces proline 2264 with serine.
Molecular consequence: missense variant.
Genome position (GRCh38, 1-based): chr6:75,124,029, G>A on the plus strand (C>T on the coding strand, the complement: COL12A1 is on the minus strand). VCF-style: chr6-75124029-G-A. GRCh37 (hg19) VCF-style: chr6-75833745-G-A.
Other names: c.3298C>T, p.Pro1100Ser (NM_080645.3); short protein forms P1100S, P2264S.
Identifiers: ClinVar variation 1934176 (VCV001934176.5), dbSNP rs1478518246, ClinGen allele CA364728533.

ClinVar aggregate classification (germline): Uncertain significance (1 of 4 stars; one submission).

Conditions:
Ullrich congenital muscular dystrophy 2 (UCMD2). Identifiers: Orphanet 75840, MedGen C4225314, MONDO:0014654, OMIM 616470.
Bethlem myopathy 2 (BTHLM2). Identifiers: Orphanet 536516, Orphanet 610, MedGen C4225313, MONDO:0034022, OMIM 616471.

gnomAD v4.1: 1 of 1,613,970 alleles (0.000062%); highest among the groups gnomAD compares: Non-Finnish European, 0.000085%; no homozygotes.

Submission:

Labcorp Genetics (formerly Invitae), Labcorp
Classification: Uncertain significance for Bethlem myopathy 2; Ullrich congenital muscular dystrophy 2. Last evaluated: 2022-07-04. Review status: criteria provided, single submitter. Criteria: Invitae Variant Classification Sherloc (09022015). Collection method: clinical testing. Allele origin: germline.
Comment: In summary, the available evidence is currently insufficient to determine the role of this variant in disease. Therefore, it has been classified as a Variant of Uncertain Significance. Algorithms developed to predict the effect of missense changes on protein structure and function are either unavailable or do not agree on the potential impact of this missense change (SIFT: "Deleterious"; PolyPhen-2: "Possibly Damaging"; Align-GVGD: "Class C0"). This variant has not been reported in the literature in individuals affected with COL12A1-related conditions. This variant is not present in population databases (gnomAD no frequency). This sequence change replaces proline, which is neutral and non-polar, with serine, which is neutral and polar, at codon 2264 of the COL12A1 protein (p.Pro2264Ser).